The following is an entry in ClinVar:

ClinVar aggregate classification (germline): Uncertain significance (1 of 4 stars; one submission).

Conditions:
MKI67-related disorder. Also called: MKI67-related condition.

Submission:

PreventionGenetics, part of Exact Sciences
Classification: Uncertain significance for MKI67-related condition. Last evaluated: 2023-08-15. Review status: criteria provided, single submitter. Criteria: ACMG Guidelines, 2015. Collection method: clinical testing. Allele origin: germline.
Comment: The MKI67 c.9727A>C variant is predicted to result in the amino acid substitution p.Lys3243Gln. To our knowledge, this variant has not been reported in the literature or in a large population database, indicating this variant is rare. At this time, the clinical significance of this variant is uncertain due to the absence of conclusive functional and genetic evidence.

NM_002417.5(MKI67):c.9727A>C (p.Lys3243Gln)

Gene: MKI67 (marker of proliferation Ki-67; minus strand). Cytogenetic location: 10q26.2.
Variant type: single nucleotide variant.
Coding change: c.9727A>C on transcript NM_002417.5 (MANE Select); coding-DNA position 9727, A replaced by C.
Protein change: p.Lys3243Gln; replaces lysine 3243 with glutamine.
Molecular consequence: missense variant.
Genome position (GRCh38, 1-based): chr10:128,099,234, T>G on the plus strand (A>C on the coding strand, the complement: MKI67 is on the minus strand). VCF-style: chr10-128099234-T-G. GRCh37 (hg19) VCF-style: chr10-129897498-T-G.
Other names: c.8647A>C, p.Lys2883Gln (NM_001145966.2); short protein forms K2883Q, K3243Q.
Identifiers: ClinVar variation 2631434 (VCV002631434.1), dbSNP rs1394710898, ClinGen allele CA378725811.